The following is an entry in ClinVar:

ClinVar aggregate classification (germline): Uncertain significance (1 of 4 stars; one submission).

Conditions:
Hereditary spastic paraplegia 11. Also called: Spastic Paraplegia 11; Spastic paraplegia, mental retardation and thin corpus callosum; Nakamura Osame syndrome; Autosomal recessive hereditary spastic paraplegia, mental impairment, and thin corpus callosum; SPASTIC PARAPLEGIA, AUTOSOMAL RECESSIVE, COMPLICATED, WITH THIN CORPUS CALLOSUM; SPASTIC PARAPLEGIA, AUTOSOMAL RECESSIVE, WITH MENTAL IMPAIRMENT AND THIN CORPUS CALLOSUM. Identifiers: Orphanet 2822, MedGen C1858479, MONDO:0011445, OMIM 604360.

Allele frequency attached by ClinVar (database versions not stated): gnomAD exomes below 0.00001.
gnomAD v4.1: 5 of 1,600,378 alleles (0.00031%); highest among the groups gnomAD compares: Non-Finnish European, 0.00043%; no homozygotes.

Submission:

Labcorp Genetics (formerly Invitae), Labcorp
Classification: Uncertain significance for Hereditary spastic paraplegia 11. Last evaluated: 2022-03-11. Review status: criteria provided, single submitter. Criteria: Invitae Variant Classification Sherloc (09022015). Collection method: clinical testing. Allele origin: germline.
Comment: This sequence change replaces valine, which is neutral and non-polar, with glycine, which is neutral and non-polar, at codon 65 of the SPG11 protein (p.Val65Gly). This variant is present in population databases (no rsID available, gnomAD 0.001%). This variant has not been reported in the literature in individuals affected with SPG11-related conditions. Algorithms developed to predict the effect of missense changes on protein structure and function are either unavailable or do not agree on the potential impact of this missense change (SIFT: "Deleterious"; PolyPhen-2: "Probably Damaging"; Align-GVGD: "Class C0"). In summary, the available evidence is currently insufficient to determine the role of this variant in disease. Therefore, it has been classified as a Variant of Uncertain Significance.

NM_025137.4(SPG11):c.194T>G (p.Val65Gly)

Gene: SPG11 (SPG11 vesicle trafficking associated, spatacsin; minus strand). Cytogenetic location: 15q21.1.
Variant type: single nucleotide variant.
Coding change: c.194T>G on transcript NM_025137.4 (MANE Select); coding-DNA position 194, T replaced by G.
Protein change: p.Val65Gly; replaces valine 65 with glycine.
Molecular consequence: missense variant.
Genome position (GRCh38, 1-based): chr15:44,663,454, A>C on the plus strand (T>G on the coding strand, the complement: SPG11 is on the minus strand). VCF-style: chr15-44663454-A-C. GRCh37 (hg19) VCF-style: chr15-44955652-A-C.
Other names: c.194T>G, p.Val65Gly (NM_001160227.2, NM_001411132.1); short protein forms V65G.
Identifiers: ClinVar variation 2109082 (VCV002109082.1), dbSNP rs1329927947, ClinGen allele CA392238601.
Genomic context (GRCh38, chr15:44,663,454, plus strand): 5'-CAGAAGGGGCCCTCCAGGCAGCAGCGACCCCCGCCCCGGCTGCCAGGCGTCAAAGAAAGC[A>C]CTTGGAGGCTGCCCGCAGCCGTCAGGCTCCCCAGAGCCTCCGGCTGTGTGCGCAGCTGCG-3'
Protein context (NP_079413.3, residues 55-75): GSLTAAGSLQ[Val65Gly]LSLTPGSRGG